The following is an entry in ClinVar:

ClinVar aggregate classification (germline): Pathogenic. Review status: criteria provided, multiple submitters, no conflicts (2 of 4 stars). 3 submissions from 3 submitters: Pathogenic (3). Last evaluated 2023-08-01.

Conditions:
Hereditary cancer-predisposing syndrome. Also called: Hereditary Cancer Syndrome; Neoplastic Syndromes, Hereditary; Hereditary neoplastic syndrome; Tumor predisposition. Identifiers: Orphanet 140162, MedGen C0027672, MeSH D009386, MONDO:0015356.
Familial adenomatous polyposis 1 (FAP1). Also called: FAMILIAL ADENOMATOUS POLYPOSIS 1, ATTENUATED; POLYPOSIS, ADENOMATOUS INTESTINAL. Identifiers: MedGen C2713442, MONDO:0021056, OMIM 175100. Disease mechanism: loss of function.

Submissions (3):

Labcorp Genetics (formerly Invitae), Labcorp
Classification: Pathogenic for Familial adenomatous polyposis 1. Last evaluated: 2023-08-01. Review status: criteria provided, single submitter. Criteria: Invitae Variant Classification Sherloc (09022015). Collection method: clinical testing. Allele origin: germline.
Comment: For these reasons, this variant has been classified as Pathogenic. A different truncation (p.Tyr2645Lysfs*14) that lies downstream of this variant has been determined to be pathogenic (PMID: 9824584, 1316610, 27081525, 8381579, 22135120, Invitae). This suggests that deletion of this region of the APC protein is causative of disease. This variant is expected to disrupt the EB1 and HDLG binding sites, which mediate interactions with the cytoskeleton (PMID: 15311282, 17293347). While functional studies have not been performed to directly test the effect on APC protein function, this suggests that disruption of the C-terminal portion of the protein is functionally important. ClinVar contains an entry for this variant (Variation ID: 428161). This variant has not been reported in the literature in individuals affected with APC-related conditions. This variant is not present in population databases (gnomAD no frequency). This sequence change creates a premature translational stop signal (p.Leu729Lysfs*8) in the APC gene. While this is not anticipated to result in nonsense mediated decay, it is expected to disrupt the last 2115 amino acid(s) of the APC protein.

Myriad Genetics, Inc.
Classification: Pathogenic for Familial adenomatous polyposis 1. Last evaluated: 2023-05-04. Review status: criteria provided, single submitter. Criteria: Myriad Autosomal Dominant, Autosomal Recessive and X-Linked Classification Criteria (2023). Collection method: clinical testing. Allele origin: unknown.
Comment: This variant is considered pathogenic. This variant creates a frameshift predicted to result in premature protein truncation.

Ambry Genetics
Classification: Pathogenic for Hereditary cancer-predisposing syndrome. Last evaluated: 2016-06-06. Review status: criteria provided, single submitter. Criteria: Ambry Variant Classification Scheme 2023. Collection method: clinical testing. Allele origin: germline.
Comment: The c.2185_2336del152 pathogenic mutation, located in coding exon 15 of the APC gene, results from a deletion of 152 nucleotides between nucleotide positions 2185 and 2336, causing a translational frameshift with a predicted alternate stop codon. Since frameshifts are typically deleterious in nature, this alteration is interpreted as a disease-causing mutation (ACMG Recommendations for Standards for Interpretation and Reporting of Sequence Variations. Revision 2007. Genet Med. 2008;10:294).

Literature cited by the submitters: PubMed 9824584 (cited by Labcorp Genetics (formerly Invitae), Labcorp); PubMed 1316610 (cited by Labcorp Genetics (formerly Invitae), Labcorp); PubMed 27081525 (cited by Labcorp Genetics (formerly Invitae), Labcorp); PubMed 8381579 (cited by Labcorp Genetics (formerly Invitae), Labcorp); PubMed 22135120 (cited by Labcorp Genetics (formerly Invitae), Labcorp); PubMed 15311282 (cited by Labcorp Genetics (formerly Invitae), Labcorp); PubMed 17293347 (cited by Labcorp Genetics (formerly Invitae), Labcorp).

NM_000038.6(APC):c.2185_2336del (p.Leu729fs)

Gene: APC (APC regulator of Wnt signaling pathway; plus strand). Cytogenetic location: 5q22.2.
Variant type: Deletion.
Coding change: c.2185_2336del on transcript NM_000038.6 (MANE Select); coding-DNA positions 2185 to 2336, 152 bases deleted.
Protein change: p.Leu729fs; shifts the reading frame from leucine 729.
Molecular consequence: frameshift variant.
Genome position (GRCh38, 1-based): chr5:112,837,779-112,837,930, 152 bases deleted. GRCh37 (hg19): chr5:112,173,476-112,173,627.
Other names: c.2185_2336del, p.Leu729fs (NM_001127510.3, NM_001354895.2); c.2131_2282del, p.Leu711fs (NM_001127511.3); c.2239_2390del, p.Leu747fs (NM_001354896.2); c.2215_2366del, p.Leu739fs (NM_001354897.2); c.2110_2261del, p.Leu704fs (NM_001354898.2); c.2101_2252del, p.Leu701fs (NM_001354899.2); c.2062_2213del, p.Leu688fs (NM_001354900.2); c.2008_2159del, p.Leu670fs (NM_001354901.2); and 5 more; short protein forms L446fs, L638fs, L711fs, L628fs, L701fs, L704fs, L569fs, L603fs.
Identifiers: ClinVar variation 428161 (VCV000428161.10), dbSNP rs1554083990, ClinGen allele CA645369359.